The following is an entry in ClinVar:

NM_001126108.2(SLC12A3):c.36C>T (p.Asp12=)

Gene: SLC12A3 (solute carrier family 12 member 3; plus strand). Cytogenetic location: 16q13.
Variant type: single nucleotide variant.
Coding change: c.36C>T on transcript NM_001126108.2 (MANE Select); coding-DNA position 36, C replaced by T.
Protein change: p.Asp12=; no amino-acid change (aspartic acid 12 retained).
Molecular consequence: synonymous variant.
Genome position (GRCh38, 1-based): chr16:56,865,271, C>T. VCF-style: chr16-56865271-C-T. GRCh37 (hg19) VCF-style: chr16-56899183-C-T.
Other names: c.36C>T, p.Asp12= (NM_000339.3, NM_001126107.2).
Identifiers: ClinVar variation 319887 (VCV000319887.29), dbSNP rs117987946, ClinGen allele CA8068894.
Genomic context (GRCh38, chr16:56,865,271, plus strand): 5'-CCCCTCCCTGGACACCCAGGCGACAATGGCAGAACTGCCCACAACAGAGACGCCTGGGGA[C>T]GCCACTTTGTGCAGCGGGCGCTTCACCATCAGCACACTGCTGAGCAGTGATGAGCCCTCT-3'
Protein context (NP_001119580.2, residues 2-22): AELPTTETPG[Asp12=]ATLCSGRFTI

ClinVar aggregate classification (germline): Conflicting classifications of pathogenicity. Review status: criteria provided, conflicting classifications (1 of 4 stars). 9 submissions from 9 submitters: Uncertain significance (1); Likely benign (4). 4 of the submissions do not count toward it. Last evaluated 2026-08-01.

Conditions:
Familial hypokalemia-hypomagnesemia (GTLMNS). Also called: gitelman syndrome; POTASSIUM AND MAGNESIUM DEPLETION; HYPOMAGNESEMIA-HYPOKALEMIA, PRIMARY RENOTUBULAR, WITH HYPOCALCIURIA. Identifiers: Orphanet 358, MedGen C0268450, MONDO:0009904, OMIM 263800.

Allele frequency attached by ClinVar (database versions not stated): 1000 Genomes Project 30x 0.00031; 1000 Genomes Project 0.00040; ExAC 0.00060; gnomAD 0.00060 and 0.00061; gnomAD exomes 0.00064 and 0.00107; TOPMed 0.00078; ESP Exome Variant Server 0.00154.
gnomAD v4.1: 1,639 of 1,613,886 alleles (0.1%); highest among the groups gnomAD compares: Non-Finnish European, 0.13%; 3 homozygotes.

Submissions (9):

CeGaT Center for Human Genetics Tuebingen
Classification: Likely benign. Last evaluated: 2026-08-01. Review status: criteria provided, single submitter. Criteria: CeGaT Center For Human Genetics Tuebingen Variant Classification Criteria Version 2. Collection method: clinical testing. Allele origin: germline. Affected: yes. Observed: 3 variant alleles.
Comment: SLC12A3: BP4, BP7

Labcorp Genetics (formerly Invitae), Labcorp
Classification: Likely benign. Last evaluated: 2026-01-21. Review status: criteria provided, single submitter. Criteria: Invitae Variant Classification Sherloc (09022015). Collection method: clinical testing. Allele origin: germline.

Blueprint Genetics
Classification: Likely benign. Last evaluated: 2024-11-22. Review status: criteria provided, single submitter. Criteria: ACMG Guidelines, 2015. Collection method: clinical testing. Allele origin: germline.

Genome-Nilou Lab
Classification: Likely benign for Familial hypokalemia-hypomagnesemia. Last evaluated: 2021-07-15. Review status: criteria provided, single submitter. Criteria: ACMG Guidelines, 2015. Collection method: clinical testing. Allele origin: germline. Affected: no.

Illumina Laboratory Services, Illumina
Classification: Uncertain significance for Familial hypokalemia-hypomagnesemia. Last evaluated: 2018-01-13. Review status: criteria provided, single submitter. Criteria: ICSL Variant Classification Criteria 13 December 2019. Collection method: clinical testing. Allele origin: germline.

Natera, Inc.
Classification: Likely benign for Gitelman syndrome. Last evaluated: 2020-06-03. Review status: no assertion criteria provided. Collection method: clinical testing. Allele origin: germline. Not counted in ClinVar's aggregate classification.

Clinical Genetics DNA and cytogenetics Diagnostics Lab, Erasmus MC, Erasmus Medical Center
Classification: Likely benign. Review status: no assertion criteria provided. Collection method: clinical testing. Allele origin: germline. Affected: yes. Study: VKGL Data-share Consensus. Not counted in ClinVar's aggregate classification.

Genome Diagnostics Laboratory, University Medical Center Utrecht
Classification: Benign. Review status: no assertion criteria provided. Collection method: clinical testing. Allele origin: germline. Affected: yes. Study: VKGL Data-share Consensus. Not counted in ClinVar's aggregate classification.

Joint Genome Diagnostic Labs from Nijmegen and Maastricht, Radboudumc and MUMC+
Classification: Likely benign. Review status: no assertion criteria provided. Collection method: clinical testing. Allele origin: germline. Affected: yes. Study: VKGL Data-share Consensus. Not counted in ClinVar's aggregate classification.